The following is an entry in ClinVar:

NM_001292063.2(OTOG):c.527G>C (p.Ser176Thr)

Gene: OTOG (otogelin; plus strand). Cytogenetic location: 11p15.1.
Variant type: single nucleotide variant.
Coding change: c.527G>C on transcript NM_001292063.2 (MANE Select); coding-DNA position 527, G replaced by C.
Protein change: p.Ser176Thr; replaces serine 176 with threonine.
Molecular consequence: missense variant.
Genome position (GRCh38, 1-based): chr11:17,553,506, G>C. VCF-style: chr11-17553506-G-C. GRCh37 (hg19) VCF-style: chr11-17575053-G-C.
Other names: c.563G>C, p.Ser188Thr (NM_001277269.2); short protein forms S188T, S176T.
Identifiers: ClinVar variation 227787 (VCV000227787.5), dbSNP rs876657556, ClinGen allele CA10576854.

ClinVar aggregate classification (germline): Likely benign (1 of 4 stars; one submission).

Submission:

Laboratory for Molecular Medicine, Mass General Brigham Personalized Medicine
Classification: Likely benign. Last evaluated: 2015-08-12. Review status: criteria provided, single submitter. Criteria: LMM Criteria. Collection method: clinical testing. Allele origin: germline. Observed: 1 variant allele.
Comment: p.Ser188Thr in exon 5 of OTOG: This variant is not expected to have clinical sig nificance due to a lack of conservation across species, including mammals. Of no te, 18 mammals have a Threonine (Thr) at this position. In addition, computation al prediction tools do not suggest a high likelihood of impact to the protein.